The following is an entry in ClinVar:

ClinVar aggregate classification (germline): Uncertain significance (1 of 4 stars; one submission).

Submission:

Labcorp Genetics (formerly Invitae), Labcorp
Classification: Uncertain significance. Last evaluated: 2022-01-28. Review status: criteria provided, single submitter. Criteria: Invitae Variant Classification Sherloc (09022015). Collection method: clinical testing. Allele origin: germline.
Comment: This sequence change replaces histidine, which is basic and polar, with asparagine, which is neutral and polar, at codon 310 of the DNAH9 protein (p.His310Asn). This variant is not present in population databases (gnomAD no frequency). This variant has not been reported in the literature in individuals affected with DNAH9-related conditions. Algorithms developed to predict the effect of missense changes on protein structure and function (SIFT, PolyPhen-2, Align-GVGD) all suggest that this variant is likely to be tolerated. In summary, the available evidence is currently insufficient to determine the role of this variant in disease. Therefore, it has been classified as a Variant of Uncertain Significance.

NM_001372.4(DNAH9):c.928C>A (p.His310Asn)

Gene: DNAH9 (dynein axonemal heavy chain 9; plus strand). Cytogenetic location: 17p12.
Variant type: single nucleotide variant.
Coding change: c.928C>A on transcript NM_001372.4 (MANE Select); coding-DNA position 928, C replaced by A.
Protein change: p.His310Asn; replaces histidine 310 with asparagine.
Molecular consequence: missense variant.
Genome position (GRCh38, 1-based): chr17:11,617,434, C>A. VCF-style: chr17-11617434-C-A. GRCh37 (hg19) VCF-style: chr17-11520751-C-A.
Other names: short protein forms H310N.
Identifiers: ClinVar variation 2063511 (VCV002063511.4), dbSNP rs751427018, ClinGen allele CA398167556.
Genomic context (GRCh38, chr17:11,617,434, plus strand): 5'-CCAGATGGGAATGCTGACCATCTCCAATTCCTTCCAGCTCTAGCAGAGGCACAGGACATC[C>A]ATGTGCACCTGATACCGCTCCAGCGCCACCTGGAAGCTCTGGAGAATGCAGAATTTCCGG-3'
Protein context (NP_001363.2, residues 300-320): VAALAEAQDI[His310Asn]VHLIPLQRHL